The following is an entry in ClinVar:

NM_000260.4(MYO7A):c.316A>C (p.Asn106His)

Gene: MYO7A (myosin VIIA; plus strand). Cytogenetic location: 11q13.5.
Variant type: single nucleotide variant.
Coding change: c.316A>C on transcript NM_000260.4 (MANE Select); coding-DNA position 316, A replaced by C.
Protein change: p.Asn106His; replaces asparagine 106 with histidine.
Molecular consequence: missense variant.
Genome position (GRCh38, 1-based): chr11:77,155,937, A>C. VCF-style: chr11-77155937-A-C. GRCh37 (hg19) VCF-style: chr11-76866983-A-C.
Other names: c.316A>C, p.Asn106His (NM_001127180.2); c.283A>C, p.Asn95His (NM_001369365.1); short protein forms N95H, N106H.
Identifiers: ClinVar variation 2299265 (VCV002299265.2), dbSNP rs1952420773, ClinGen allele CA381931102.

ClinVar aggregate classification (germline): Uncertain significance (1 of 4 stars; one submission).

Conditions:
Inborn genetic diseases. Identifiers: MedGen C0950123, MeSH D030342.

Allele frequency attached by ClinVar (database versions not stated): TOPMed below 0.00001; gnomAD 0.00001.
gnomAD v4.1: 1 of 1,609,968 alleles (0.000062%); highest among the groups gnomAD compares: Non-Finnish European, 0.000085%; no homozygotes.

Submission:

Ambry Genetics
Classification: Uncertain significance for Inborn genetic diseases. Last evaluated: 2022-07-28. Review status: criteria provided, single submitter. Criteria: Ambry Variant Classification Scheme 2023. Collection method: clinical testing. Allele origin: germline.
Comment: The c.316A>C (p.N106H) alteration is located in exon 5 (coding exon 4) of the MYO7A gene. This alteration results from an A to C substitution at nucleotide position 316, causing the asparagine (N) at amino acid position 106 to be replaced by a histidine (H). Based on data from gnomAD, the C allele has an overall frequency of 0.0006% (1/152242) total alleles studied. This amino acid position is highly conserved in available vertebrate species. The in silico prediction for this alteration is inconclusive. Based on insufficient or conflicting evidence, the clinical significance of this alteration remains unclear.